The following is an entry in ClinVar:

NM_000133.4(F9):c.839G>C (p.Gly280Ala)

Gene: F9 (coagulation factor IX; plus strand). Cytogenetic location: Xq27.1.
Variant type: single nucleotide variant.
Coding change: c.839G>C on transcript NM_000133.4 (MANE Select); coding-DNA position 839, G replaced by C.
Protein change: p.Gly280Ala; replaces glycine 280 with alanine.
Molecular consequence: missense variant.
Genome position (GRCh38, 1-based): chrX:139,561,524, G>C. VCF-style: chrX-139561524-G-C. GRCh37 (hg19) VCF-style: chrX-138643683-G-C.
Other names: c.725G>C, p.Gly242Ala (NM_001313913.2); short protein forms G242A, G280A.
Identifiers: ClinVar variation 4795939 (VCV004795939.1).
Genomic context (GRCh38, chrX:139,561,524, plus strand): 5'-TAGAAAATCTGTGTATGTGAAATACTGTTTGTGACTTAAAATGAAATTTATTTTTAATAG[G>C]TGAACATAATATTGAGGAGACAGAACATACAGAGCAAAAGCGAAATGTGATTCGAATTAT-3'
Protein context (NP_000124.1, residues 270-290): ETGVKITVVA[Gly280Ala]EHNIEETEHT

ClinVar aggregate classification (germline): Likely pathogenic (1 of 4 stars; one submission).

Conditions:
Hereditary factor IX deficiency disease (HEMB). Also called: F9 DEFICIENCY; FACTOR IX DEFICIENCY; Christmas Disease; PLASMA THROMBOPLASTIN COMPONENT DEFICIENCY; Hemophilia B. Identifiers: Orphanet 98879, MedGen C0008533, MeSH D002836, MONDO:0010604, OMIM 306900.

Submission:

Variantyx, Inc.
Classification: Likely pathogenic for Hereditary factor IX deficiency disease. Last evaluated: 2025-07-27. Review status: criteria provided, single submitter. Criteria: Variantyx Assertion Criteria 2022. Collection method: clinical testing. Allele origin: maternal. Inheritance: X-linked recessive inheritance.
Comment: This is a nonsynonymous variant in the F9 gene (OMIM: 300746). Pathogenic variants in this gene have been associated with X-linked hemophilia B. The clinical symptoms reported for this individual are highly specific for hemophilia B, which has a limited genetic etiology (PP4). This variant has been reported in at least one affected individual (PMID: 8594556) (PS4), and is absent from control populations (PM2). An alternate amino acid changes at this position (p.Gly280Asp) has been previously reported in a similarly affected individual, which suggests that this residue is biologically important (PMID:18479429‚ 22103590) (PM5_Supporting). Multiple computational algorithms predict a deleterious effect for this variant (REVEL score: 0.96) (PP3). Based on the CSPEC guidelines, this variant is classified as likely pathogenic for X-linked hemophilia B.

Literature cited by the submitters: PubMed 8594556; PubMed 18479429; PubMed 22103590.